The following is an entry in ClinVar:

ClinVar aggregate classification (germline): Conflicting classifications of pathogenicity. Review status: criteria provided, conflicting classifications (1 of 4 stars). 3 submissions from 3 submitters: Likely pathogenic (2); Uncertain significance (1). Last evaluated 2024-11-25.

Conditions:
Bryant-Li-Bhoj neurodevelopmental syndrome 2 (BRYLIB2). Also called: H3-3B syndrome. Identifiers: MedGen C5676906, MONDO:0030607, OMIM 619721. Disease mechanism: loss of function.
Inborn genetic diseases. Identifiers: MedGen C0950123, MeSH D030342.

Submissions (3):

GeneDx
Classification: Likely pathogenic. Last evaluated: 2024-11-25. Review status: criteria provided, single submitter. Criteria: GeneDx Variant Classification Process June 2021. Collection method: clinical testing. Allele origin: germline. Affected: yes.
Comment: Not observed at significant frequency in large population cohorts (gnomAD); In silico analysis supports that this missense variant has a deleterious effect on protein structure/function; This variant is associated with the following publications: (PMID: 33268356, 27535533)

Illumina Laboratory Services, Illumina
Classification: Likely pathogenic for Bryant-Li-Bhoj neurodevelopmental syndrome 2. Last evaluated: 2024-06-21. Review status: criteria provided, single submitter. Criteria: ICSLVariantClassificationCriteria RUGD 01 April 2020. Collection method: clinical testing. Allele origin: unknown.
Comment: Additionally, a different amino acid substitution at the same codon in the H3-3A gene, which encodes an identical protein as H3-3B, has also been reported in a de novo state in an individual with BRYLIB (PMID: 33268356). This region is a hot spot in both the H3-3B and H3-3A genes (PMID: 33268356; 34876591). This variant is not observed in version 2.1.1 or version 4.1.0 of the Genome Aggregation Database. Based on the available evidence, the c.119A>G p.(His40Arg) variant is classified as likely pathogenic for Bryant-Li-Bhoj neurodevelopmental syndrome.

Ambry Genetics
Classification: Uncertain significance for Inborn genetic diseases. Last evaluated: 2019-05-10. Review status: criteria provided, single submitter. Criteria: Ambry exome assertion method (8-5-2015). Collection method: clinical testing. Allele origin: germline. Affected: yes. Observed: 1 variant allele.

Literature cited by the submitters: PubMed 33268356 (cited by Illumina Laboratory Services, Illumina); PubMed 34876591 (cited by Illumina Laboratory Services, Illumina).

NM_005324.5(H3-3B):c.119A>G (p.His40Arg)

Gene: H3-3B (H3.3 histone B; minus strand). Cytogenetic location: 17q25.1.
Variant type: single nucleotide variant.
Coding change: c.119A>G on transcript NM_005324.5 (MANE Select); coding-DNA position 119, A replaced by G.
Protein change: p.His40Arg; replaces histidine 40 with arginine.
Molecular consequence: missense variant.
Genome position (GRCh38, 1-based): chr17:75,779,056, T>C on the plus strand (A>G on the coding strand, the complement: H3-3B is on the minus strand). VCF-style: chr17-75779056-T-C. GRCh37 (hg19) VCF-style: chr17-73775137-T-C.
Other names: short protein forms H40R.
Identifiers: ClinVar variation 521569 (VCV000521569.7), dbSNP rs1555585486, ClinGen allele CA401118087.